The following is an entry in ClinVar:

ClinVar aggregate classification (germline): Likely benign (1 of 4 stars; one submission).

Allele frequency attached by ClinVar (database versions not stated): gnomAD 0.00001; gnomAD exomes 0.00001; ExAC 0.00006.
gnomAD v4.1: 4 of 1,584,972 alleles (0.00025%); highest among the groups gnomAD compares: African/African-American, 0.0013%; no homozygotes.

Submission:

GeneDx
Classification: Likely benign. Last evaluated: 2016-08-19. Review status: criteria provided, single submitter. Criteria: GeneDx Variant Classification (06012015). Collection method: clinical testing. Allele origin: germline. Affected: yes.
Comment: This variant is considered likely benign or benign based on one or more of the following criteria: it is a conservative change, it occurs at a poorly conserved position in the protein, it is predicted to be benign by multiple in silico algorithms, and/or has population frequency not consistent with disease.

NM_001136193.2(FASTKD2):c.1255-16A>G

Gene: FASTKD2 (FAST kinase domains 2; plus strand). Cytogenetic location: 2q33.3.
Variant type: single nucleotide variant.
Coding change: c.1255-16A>G on transcript NM_001136193.2 (MANE Select); 16 bases into the intron before coding-DNA position 1255, A replaced by G.
Molecular consequence: intron variant.
Genome position (GRCh38, 1-based): chr2:206,774,209, A>G. VCF-style: chr2-206774209-A-G. GRCh37 (hg19) VCF-style: chr2-207638933-A-G.
Other names: c.1255-16A>G (NM_001136194.2, NM_014929.4).
Identifiers: ClinVar variation 388728 (VCV000388728.1), dbSNP rs757982614, ClinGen allele CA2075112.